The following is an entry in ClinVar:

NM_022489.4(INF2):c.1262CACCCC[1] (p.Pro423_Pro428del)

Gene: INF2 (inverted formin 2; plus strand). Cytogenetic location: 14q32.33.
Variant type: Microsatellite.
Coding change: c.1262CACCCC[1] on transcript NM_022489.4 (MANE Select); one copy of the 6-base unit CACCCC starting at c.1262; the reference has four copies in a row; three copies, 18 bases deleted; also written c.1268_1285del.
Protein change: p.Pro423_Pro428del.
Molecular consequence: inframe deletion.
Genome position (GRCh38, 1-based): chr14:104,707,535-104,707,552, CACCCCCACCCCCACCCC deleted; deleting any 18 consecutive bases within chr14:104,707,526-104,707,552 gives the same sequence; the position shown is the placement nearest the transcript's 3' end. VCF-style (leftmost placement, unchanged base first): chr14-104707525-ACCCCACCCCCACCCCCAC-A. GRCh37 (hg19) VCF-style: chr14-105173862-ACCCCACCCCCACCCCCAC-A.
Other names: c.1268_1285del (NM_022489.4); c.1262CACCCC[1], p.Pro423_Pro428del (NM_001031714.4); c.1268_1285del18 (NM_022489.3).
Identifiers: ClinVar variation 1019747 (VCV001019747.9), dbSNP rs573567814, ClinGen allele CA7372535.

ClinVar aggregate classification (germline): Conflicting classifications of pathogenicity. Review status: criteria provided, conflicting classifications (1 of 4 stars). 4 submissions from 4 submitters: Uncertain significance (2); Likely benign (1). 1 of the submissions does not count toward it. Last evaluated 2023-12-06.

Conditions:
Charcot-Marie-Tooth disease dominant intermediate E. Also called: CHARCOT-MARIE-TOOTH NEUROPATHY WITH FOCAL SEGMENTAL GLOMERULONEPHRITIS. Identifiers: Orphanet 93114, MedGen C4302667, MONDO:0013758, OMIM 614455.
Focal segmental glomerulosclerosis 5 (FSGS5). Identifiers: Orphanet 656, MedGen C2750475, MONDO:0013191, OMIM 613237.
Inborn genetic diseases. Identifiers: MedGen C0950123, MeSH D030342.

Submissions (4):

Ambry Genetics
Classification: Likely benign for Inborn genetic diseases. Last evaluated: 2023-12-06. Review status: criteria provided, single submitter. Criteria: Ambry Variant Classification Scheme 2023. Collection method: clinical testing. Allele origin: germline.

Fulgent Genetics
Classification: Uncertain significance for Focal segmental glomerulosclerosis 5; Charcot-Marie-Tooth disease dominant intermediate E. Last evaluated: 2022-05-04. Review status: criteria provided, single submitter. Criteria: ACMG Guidelines, 2015. Collection method: clinical testing. Allele origin: unknown.

Labcorp Genetics (formerly Invitae), Labcorp
Classification: Uncertain significance for Charcot-Marie-Tooth disease dominant intermediate E; Focal segmental glomerulosclerosis 5. Last evaluated: 2021-11-11. Review status: criteria provided, single submitter. Criteria: Invitae Variant Classification Sherloc (09022015). Collection method: clinical testing. Allele origin: germline.
Comment: In summary, the available evidence is currently insufficient to determine the role of this variant in disease. Therefore, it has been classified as a Variant of Uncertain Significance. This variant, c.1268_1285del, results in the deletion of 6 amino acid(s) of the INF2 protein (p.Pro423_Pro428del), but otherwise preserves the integrity of the reading frame. The frequency data for this variant in the population databases is considered unreliable, as metrics indicate poor data quality at this position in the gnomAD database. This variant has not been reported in the literature in individuals affected with INF2-related conditions. Experimental studies and prediction algorithms are not available or were not evaluated, and the functional significance of this variant is currently unknown.

Department of Pathology and Laboratory Medicine, Sinai Health System
Classification: Uncertain significance. Review status: no assertion criteria provided. Collection method: clinical testing. Allele origin: unknown. Affected: yes. Study: The Canadian Open Genetics Repository (COGR). Not counted in ClinVar's aggregate classification.
Comment: The INF2 p.Pro423_Pro428del variant was not identified in the literature nor was it identified in ClinVar or LOVD 3.0. The variant was identified in dbSNP (ID: rs760960023) and in control databases in 2 of 22474 chromosomes at a frequency of 0.00008899 (Genome Aggregation Database March 6, 2019, v2.1.1). The variant was observed in the African population in 2 of 6420 chromosomes (freq: 0.000312), but was not observed in the Latino, Ashkenazi Jewish, East Asian, European (Finnish), European (non-Finnish), Other or South Asian populations. This variant is an in-frame deletion resulting in the removal of proline (pro) residues from codons 423 to 428; the impact of this alteration on INF2 protein function is not known however multiple variations in the number of proline residues at this location have been reported suggesting that this is a repeat region with benign variation. In summary, based on the above information the clinical significance of this variant cannot be determined with certainty at this time. This variant is classified as a variant of uncertain significance.

Literature cited by the submitters: PubMed 28518168 (cited by Ambry Genetics); PubMed 32461654 (cited by Ambry Genetics).